The following is an entry in ClinVar:

ClinVar aggregate classification (germline): Likely benign. Review status: criteria provided, multiple submitters, no conflicts (2 of 4 stars). 2 submissions from 2 submitters: Likely benign (2). Last evaluated 2018-06-16.

Allele frequency attached by ClinVar (database versions not stated): gnomAD 0.02169 and 0.02192; 1000 Genomes Project 30x 0.02171; TOPMed 0.02211; 1000 Genomes Project 0.02296.
gnomAD v4.1: 3,322 of 152,286 alleles (2.2%); highest among the groups gnomAD compares: East Asian, 4.5%; 37 homozygotes.

Submissions (3):

GeneDx
Classification: Likely benign. Last evaluated: 2018-06-16. Review status: criteria provided, single submitter. Criteria: GeneDx Variant Classification (06012015). Collection method: clinical testing. Allele origin: germline. Affected: yes.
Comment: This variant is considered likely benign or benign based on one or more of the following criteria: it is a conservative change, it occurs at a poorly conserved position in the protein, it is predicted to be benign by multiple in silico algorithms, and/or has population frequency not consistent with disease.

Breakthrough Genomics
Classification: Likely benign. Review status: criteria provided, single submitter. Criteria: ACMG Guidelines, 2015. Collection method: not provided. Allele origin: germline. Inheritance: Autosomal recessive inheritance. Affected: yes.

Dr. Peter K. Rogan Lab, Western University
No classification provided (evidence only). Condition: Cervical cancer. Review status: no classification provided. Collection method: in vitro. Allele origin: not applicable. Functional consequence: retained intron. Not counted in ClinVar's aggregate classification.

NM_001256545.2(MEGF10):c.1693+181G>A

Gene: MEGF10 (multiple EGF like domains 10; plus strand). Cytogenetic location: 5q23.2.
Variant type: single nucleotide variant.
Coding change: c.1693+181G>A on transcript NM_001256545.2 (MANE Select); 181 bases into the intron after coding-DNA position 1693, G replaced by A.
Molecular consequence: intron variant.
Genome position (GRCh38, 1-based): chr5:127,422,953, G>A. VCF-style: chr5-127422953-G-A. GRCh37 (hg19) VCF-style: chr5-126758645-G-A.
Other names: NC_000005.9:g.126758645G>A; c.1693+181G>A (NM_032446.3, NM_001308119.2, NM_001308121.2).
Identifiers: ClinVar variation 672935 (VCV000672935.3), dbSNP rs118151260, ClinGen allele CA126951457.